The following is an entry in ClinVar:

NM_004360.5(CDH1):c.181A>G (p.Thr61Ala)

Gene: CDH1 (cadherin 1; plus strand). Cytogenetic location: 16q22.1.
Variant type: single nucleotide variant.
Coding change: c.181A>G on transcript NM_004360.5 (MANE Select); coding-DNA position 181, A replaced by G.
Protein change: p.Thr61Ala; replaces threonine 61 with alanine.
Molecular consequence: missense variant. On other transcripts: 5 prime UTR variant (2).
Genome position (GRCh38, 1-based): chr16:68,801,687, A>G. VCF-style: chr16-68801687-A-G. GRCh37 (hg19) VCF-style: chr16-68835590-A-G.
Other names: c.181A>G, p.Thr61Ala (NM_001317184.2); c.-1435A>G (NM_001317185.2); c.-1639A>G (NM_001317186.2); short protein forms T61A.
Identifiers: ClinVar variation 2769706 (VCV002769706.4), dbSNP rs2152126615, ClinGen allele CA396457114.

ClinVar aggregate classification (germline): Conflicting classifications of pathogenicity. Review status: criteria provided, conflicting classifications (1 of 4 stars). 2 submissions from 2 submitters: Uncertain significance (1); Likely benign (1). Last evaluated 2025-10-01.

Conditions:
Hereditary cancer-predisposing syndrome. Also called: Hereditary neoplastic syndrome; Hereditary Cancer Syndrome; Neoplastic Syndromes, Hereditary; Tumor predisposition. Identifiers: Orphanet 140162, MedGen C0027672, MeSH D009386, MONDO:0015356.
Hereditary diffuse gastric adenocarcinoma (HDGC). Also called: DIFFUSE GASTRIC AND LOBULAR BREAST CANCER SYNDROME. Identifiers: Orphanet 26106, MedGen C1708349, MONDO:0007648, OMIM 137215.

Allele frequency attached by ClinVar (database versions not stated): gnomAD exomes below 0.00001.
gnomAD v4.1: 2 of 1,614,022 alleles (0.00012%); highest among the groups gnomAD compares: Non-Finnish European, 0.00017%; no homozygotes.

Submissions (2):

Ambry Genetics
Classification: Likely benign for Hereditary cancer-predisposing syndrome. Last evaluated: 2025-10-01. Review status: criteria provided, single submitter. Criteria: Ambry Variant Classification Scheme 2023. Collection method: clinical testing. Allele origin: germline.

Labcorp Genetics (formerly Invitae), Labcorp
Classification: Uncertain significance for Hereditary diffuse gastric adenocarcinoma. Last evaluated: 2025-05-09. Review status: criteria provided, single submitter. Criteria: Invitae Variant Classification Sherloc (09022015). Collection method: clinical testing. Allele origin: germline.
Comment: This sequence change replaces threonine, which is neutral and polar, with alanine, which is neutral and non-polar, at codon 61 of the CDH1 protein (p.Thr61Ala). This variant is not present in population databases (gnomAD no frequency). This variant has not been reported in the literature in individuals affected with CDH1-related conditions. ClinVar contains an entry for this variant (Variation ID: 2769706). An algorithm developed to predict the effect of missense changes on protein structure and function outputs the following: PolyPhen-2: "Benign". The alanine amino acid residue is found in multiple mammalian species, which suggests that this missense change does not adversely affect protein function. In summary, the available evidence is currently insufficient to determine the role of this variant in disease. Therefore, it has been classified as a Variant of Uncertain Significance.